The following is an entry in ClinVar:

NM_000257.4(MYH7):c.5790+15T>G

Gene: MYH7 (myosin heavy chain 7; minus strand). Cytogenetic location: 14q11.2.
Variant type: single nucleotide variant.
Coding change: c.5790+15T>G on transcript NM_000257.4 (MANE Select); 15 bases into the intron after coding-DNA position 5790, T replaced by G.
Molecular consequence: intron variant.
Genome position (GRCh38, 1-based): chr14:23,413,744, A>C on the plus strand (T>G on the coding strand, the complement: MYH7 is on the minus strand). VCF-style: chr14-23413744-A-C. GRCh37 (hg19) VCF-style: chr14-23882953-A-C.
Other names: c.5790+15T>G (LRG_384t1).
Identifiers: ClinVar variation 379296 (VCV000379296.9), dbSNP rs199975761, ClinGen allele CA048280.

ClinVar aggregate classification (germline): Benign/Likely benign. Review status: criteria provided, multiple submitters, no conflicts (2 of 4 stars). 2 submissions from 2 submitters: Benign (1); Likely benign (1). Last evaluated 2026-01-05.

Conditions:
Hypertrophic cardiomyopathy. Also called: HYPERTROPHIC MYOCARDIOPATHY. Identifiers: Orphanet 217569, MedGen C0007194, MeSH D002312, MONDO:0005045, HP:0001639.

Allele frequency attached by ClinVar (database versions not stated): gnomAD exomes 0.00001 and 0.00004; ExAC 0.00007; TOPMed 0.00013; gnomAD 0.00015; 1000 Genomes Project 30x 0.00016; 1000 Genomes Project 0.00020; ESP Exome Variant Server 0.00023.

Submissions (2):

Labcorp Genetics (formerly Invitae), Labcorp
Classification: Likely benign for Hypertrophic cardiomyopathy. Last evaluated: 2026-01-05. Review status: criteria provided, single submitter. Criteria: Invitae Variant Classification Sherloc (09022015). Collection method: clinical testing. Allele origin: germline.

GeneDx
Classification: Benign. Last evaluated: 2016-04-13. Review status: criteria provided, single submitter. Criteria: GeneDx Variant Classification (06012015). Collection method: clinical testing. Allele origin: germline. Affected: yes.
Comment: This variant is considered likely benign or benign based on one or more of the following criteria: it is a conservative change, it occurs at a poorly conserved position in the protein, it is predicted to be benign by multiple in silico algorithms, and/or has population frequency not consistent with disease.